The following is an entry in ClinVar:

NM_001267550.2(TTN):c.56459dup (p.Tyr18820Ter)

Genes: TTN-AS1 (TTN antisense RNA 1; plus strand), TTN (titin; minus strand). Cytogenetic location: 2q31.2.
Variant type: Duplication.
Coding change: c.56459dup on transcript NM_001267550.2 (MANE Select); coding-DNA position 56459, one base duplicated (A; older notation c.56459dupA).
Protein change: p.Tyr18820Ter; replaces tyrosine 18820 with a stop codon.
Molecular consequence: nonsense.
Genome position (GRCh38, 1-based): chr2:178,599,334, T duplicated on the plus strand (A on the coding strand, the reverse complement: TTN is on the minus strand). VCF-style (leftmost placement, unchanged base first): chr2-178599333-A-AT. GRCh37 (hg19) VCF-style: chr2-179464060-A-AT.
Other names: c.51536dup, p.Tyr17179Ter (NM_001256850.1); c.29264dup, p.Tyr9755Ter (NM_003319.4); c.48755dup, p.Tyr16252Ter (NM_133378.4); c.29639dup, p.Tyr9880Ter (NM_133432.3); c.29840dup, p.Tyr9947Ter (NM_133437.4); short protein forms Y16252*, Y17179*, Y18820*, Y9755*, Y9880*, Y9947*.
Identifiers: ClinVar variation 3760437 (VCV003760437.2).

ClinVar aggregate classification (germline): Likely pathogenic (1 of 4 stars; one submission).

Conditions:
Autosomal recessive limb-girdle muscular dystrophy type 2J (LGMDR10). Also called: Limb-girdle muscular dystrophy, type 2J; MUSCULAR DYSTROPHY, LIMB-GIRDLE, AUTOSOMAL RECESSIVE 10. Identifiers: Orphanet 140922, MedGen C1837342, MONDO:0012127, OMIM 608807.
Dilated cardiomyopathy 1G (CMD1G). Identifiers: Orphanet 154, MedGen C1858763, MONDO:0011400, OMIM 604145.

Submission:

Labcorp Genetics (formerly Invitae), Labcorp
Classification: Likely pathogenic for Dilated cardiomyopathy 1G; Autosomal recessive limb-girdle muscular dystrophy type 2J. Last evaluated: 2025-12-01. Review status: criteria provided, single submitter. Criteria: Invitae Variant Classification Sherloc (09022015). Collection method: clinical testing. Allele origin: germline.
Comment: This sequence change creates a premature translational stop signal (p.Tyr18820*) in the TTN gene. While this is not anticipated to result in nonsense mediated decay, it is expected to create a truncated TTN protein. This variant is not present in population databases (gnomAD no frequency). This variant has not been reported in the literature in individuals affected with TTN-related conditions. ClinVar contains an entry for this variant (Variation ID: 3760437). This variant is located in the A band of TTN (PMID: 25589632). Truncating variants in this region are significantly overrepresented in patients affected with dilated cardiomyopathy (PMID: 25589632). Truncating variants in this region have also been reported in individuals affected with autosomal recessive centronuclear myopathy (PMID: 23975875). In summary, the currently available evidence indicates that the variant is pathogenic, but additional data are needed to prove that conclusively. Therefore, this variant has been classified as Likely Pathogenic.

Literature cited by the submitters: PubMed 25589632; PubMed 23975875.